The following is an entry in ClinVar:

NM_006445.4(PRPF8):c.1385G>A (p.Arg462Gln)

Gene: PRPF8 (pre-mRNA processing factor 8; minus strand). Cytogenetic location: 17p13.3.
Variant type: single nucleotide variant.
Coding change: c.1385G>A on transcript NM_006445.4 (MANE Select); coding-DNA position 1385, G replaced by A.
Protein change: p.Arg462Gln; replaces arginine 462 with glutamine.
Molecular consequence: missense variant.
Genome position (GRCh38, 1-based): chr17:1,679,315, C>T on the plus strand (G>A on the coding strand, the complement: PRPF8 is on the minus strand). VCF-style: chr17-1679315-C-T. GRCh37 (hg19) VCF-style: chr17-1582609-C-T.
Other names: short protein forms R462Q.
Identifiers: ClinVar variation 971709 (VCV000971709.7), dbSNP rs1278088065, ClinGen allele CA397561897.

ClinVar aggregate classification (germline): Uncertain significance. Review status: criteria provided, multiple submitters, no conflicts (2 of 4 stars). 2 submissions from 2 submitters: Uncertain significance (2). Last evaluated 2024-04-05.

Allele frequency attached by ClinVar (database versions not stated): TOPMed below 0.00001; gnomAD 0.00001; gnomAD exomes 0.00001.
gnomAD v4.1: 14 of 1,613,896 alleles (0.00087%); highest among the groups gnomAD compares: Non-Finnish European, 0.0012%; no homozygotes.

Submissions (2):

Labcorp Genetics (formerly Invitae), Labcorp
Classification: Uncertain significance. Last evaluated: 2024-04-05. Review status: criteria provided, single submitter. Criteria: Invitae Variant Classification Sherloc (09022015). Collection method: clinical testing. Allele origin: germline.
Comment: This sequence change replaces arginine, which is basic and polar, with glutamine, which is neutral and polar, at codon 462 of the PRPF8 protein (p.Arg462Gln). This variant is not present in population databases (gnomAD no frequency). This variant has not been reported in the literature in individuals affected with PRPF8-related conditions. ClinVar contains an entry for this variant (Variation ID: 971709). Advanced modeling of protein sequence and biophysical properties (such as structural, functional, and spatial information, amino acid conservation, physicochemical variation, residue mobility, and thermodynamic stability) performed at Invitae indicates that this missense variant is not expected to disrupt PRPF8 protein function with a negative predictive value of 80%. In summary, the available evidence is currently insufficient to determine the role of this variant in disease. Therefore, it has been classified as a Variant of Uncertain Significance.

Blueprint Genetics
Classification: Uncertain significance. Last evaluated: 2019-01-04. Review status: criteria provided, single submitter. Criteria: ACMG Guidelines, 2015. Collection method: clinical testing. Allele origin: germline.